The following is an entry in ClinVar:

NC_000011.10:g.117797258A>G

Gene: DSCAML1 (DS cell adhesion molecule like 1; minus strand). Cytogenetic location: 11q23.3.
Variant type: single nucleotide variant.
Molecular consequence: intron variant (on NM_001367905.1).
Genome position: GRCh38 VCF-style: chr11-117797258-A-G. GRCh37 (hg19) VCF-style: chr11-117667973-A-G.
Other names: c.-362-16448T>C (NM_001367905.1).
Identifiers: ClinVar variation 3644500 (VCV003644500.2).

ClinVar aggregate classification (germline): Uncertain significance (1 of 4 stars; one submission).

Submission:

Labcorp Genetics (formerly Invitae), Labcorp
Classification: Uncertain significance. Last evaluated: 2024-12-15. Review status: criteria provided, single submitter. Criteria: Invitae Variant Classification Sherloc (09022015). Collection method: clinical testing. Allele origin: germline.
Comment: This sequence change affects the initiator methionine of the DSCAML1 mRNA. The next in-frame methionine is located at codon 61. This variant is not present in population databases (gnomAD no frequency). This variant has not been reported in the literature in individuals affected with DSCAML1-related conditions. In summary, the available evidence is currently insufficient to determine the role of this variant in disease. Therefore, it has been classified as a Variant of Uncertain Significance.